The following is an entry in ClinVar:

NM_152564.5(VPS13B):c.10819G>A (p.Val3607Met)

Gene: VPS13B (vacuolar protein sorting 13 homolog B; plus strand). Cytogenetic location: 8q22.2.
Variant type: single nucleotide variant.
Coding change: c.10819G>A on transcript NM_152564.5 (MANE Select); coding-DNA position 10819, G replaced by A.
Protein change: p.Val3607Met; replaces valine 3607 with methionine.
Molecular consequence: missense variant.
Genome position (GRCh38, 1-based): chr8:99,854,208, G>A. VCF-style: chr8-99854208-G-A. GRCh37 (hg19) VCF-style: chr8-100866436-G-A.
Other names: c.10894G>A, p.Val3632Met (NM_017890.5); short protein forms V3607M, V3632M.
Identifiers: ClinVar variation 3349903 (VCV003349903.3).

ClinVar aggregate classification (germline): Uncertain significance. Review status: criteria provided, multiple submitters, no conflicts (2 of 4 stars). 2 submissions from 2 submitters: Uncertain significance (2). Last evaluated 2025-11-24.

Conditions:
VPS13B-related disorder. Also called: VPS13B-related condition.

gnomAD v4.1: 1 of 1,614,096 alleles (0.000062%); highest among the groups gnomAD compares: South Asian, 0.0011%; no homozygotes.

Submissions (2):

Women's Health and Genetics/Laboratory Corporation of America, LabCorp
Classification: Uncertain significance. Last evaluated: 2025-11-24. Review status: criteria provided, single submitter. Criteria: LabCorp Variant Classification Summary - May 2015. Collection method: clinical testing. Allele origin: germline.
Comment: Variant summary: VPS13B c.10894G>A (p.Val3632Met) results in a conservative amino acid change in the encoded protein sequence. Algorithms developed to predict the effect of missense changes on protein structure and function are either unavailable or do not agree on the potential impact of this missense change. The variant was absent in 251084 control chromosomes. The available data on variant occurrences in the general population are insufficient to allow any conclusion about variant significance. To our knowledge, no occurrence of c.10894G>A in individuals affected with VPS13B-related conditions and no experimental evidence demonstrating its impact on protein function have been reported. ClinVar contains an entry for this variant (Variation ID: 3349903). Based on the evidence outlined above, the variant was classified as uncertain significance.

PreventionGenetics, part of Exact Sciences
Classification: Uncertain significance for VPS13B-related condition. Last evaluated: 2025-09-15. Review status: criteria provided, single submitter. Criteria: ACMG Guidelines, 2015. Collection method: clinical testing. Allele origin: germline.
Comment: The VPS13B c.10819G>A variant is predicted to result in the amino acid substitution p.Val3607Met. To our knowledge, this variant has not been reported in the literature or in a large population database, indicating this variant is rare. At this time, the clinical significance of this variant is uncertain due to the absence of conclusive functional and genetic evidence.